The following is an entry in ClinVar:

NM_000394.4(CRYAA):c.62G>A (p.Arg21Gln)

Gene: CRYAA (crystallin alpha A; plus strand). Cytogenetic location: 21q22.3.
Variant type: single nucleotide variant.
Coding change: c.62G>A on transcript NM_000394.4 (MANE Select); coding-DNA position 62, G replaced by A.
Protein change: p.Arg21Gln; replaces arginine 21 with glutamine.
Molecular consequence: missense variant.
Genome position (GRCh38, 1-based): chr21:43,169,161, G>A. VCF-style: chr21-43169161-G-A. GRCh37 (hg19) VCF-style: chr21-44589271-G-A.
Other names: short protein forms R21Q.
Identifiers: ClinVar variation 68461 (VCV000068461.7), dbSNP rs397515626, ClinGen allele CA214998.

ClinVar aggregate classification (germline): Pathogenic/Likely pathogenic. Review status: criteria provided, multiple submitters, no conflicts (2 of 4 stars). 4 submissions from 4 submitters: Pathogenic (2); Likely pathogenic (1). 1 of the submissions does not count toward it. Last evaluated 2026-01-29.

Conditions:
CRYAA-related disorder. Also called: CRYAA-related condition.
Cataract 9 multiple types. Also called: Cataract 9, multiple types, with or without microcornea; Cataract, autosomal recessive congenital 1. Identifiers: Orphanet 1377, MedGen C1858679, MONDO:0011413, OMIM 604219.

Allele frequency attached by ClinVar (database versions not stated): gnomAD exomes 0.00001; ExAC 0.00002.

Submissions (4):

PreventionGenetics, part of Exact Sciences
Classification: Likely pathogenic for CRYAA-related condition. Last evaluated: 2026-01-29. Review status: criteria provided, single submitter. Criteria: ACMG Guidelines, 2015. Collection method: clinical testing. Allele origin: germline.
Comment: The CRYAA c.62G>A variant is predicted to result in the amino acid substitution p.Arg21Gln. This variant has been reported as segregating with disease in the heterozygous state in 5 affected individuals and 4 unaffected individuals in a family with congenital cataracts (Laurie et al. 2013. PubMed ID: 23255486), and as segregating with disease in an apparently unrelated family (Javadiyan et al. 2016. PubMed ID: 26867756). Functional studies support the pathogenicity of the p.Arg21Gln substitution (Laurie et al. 2013. PubMed ID: 23255486). Alternate substitutions of the same amino acid (p.Arg21Trp and p.Arg21Leu) have also been well documented to be causative for congenital cataracts (Hansen et al. 2007. PubMed ID: 17724170; Graw et al. 2006. PubMed ID: 16453125). This variant is present in 0.0029% of alleles in individuals of Latino descent in gnomAD. This variant is interpreted as likely pathogenic for autosomal dominant disease.

Labcorp Genetics (formerly Invitae), Labcorp
Classification: Pathogenic for Cataract 9 multiple types. Last evaluated: 2023-12-10. Review status: criteria provided, single submitter. Criteria: Invitae Variant Classification Sherloc (09022015). Collection method: clinical testing. Allele origin: germline.
Comment: This sequence change replaces arginine, which is basic and polar, with glutamine, which is neutral and polar, at codon 21 of the CRYAA protein (p.Arg21Gln). This variant is present in population databases (rs397515626, gnomAD 0.003%). This missense change has been observed in individual(s) with autosomal dominant early-onset cataracts (PMID: 23255486, 26867756). It has also been observed to segregate with disease in related individuals. ClinVar contains an entry for this variant (Variation ID: 68461). An algorithm developed to predict the effect of missense changes on protein structure and function (PolyPhen-2) suggests that this variant is likely to be disruptive. This variant disrupts the p.Arg21 amino acid residue in CRYAA. Other variant(s) that disrupt this residue have been determined to be pathogenic (PMID: 22045060, 22140512, 22347476, 23441109, 29386872). This suggests that this residue is clinically significant, and that variants that disrupt this residue are likely to be disease-causing. For these reasons, this variant has been classified as Pathogenic.

Genetics and Molecular Pathology, SA Pathology
Classification: Pathogenic for Cataract 9 multiple types. Last evaluated: 2020-11-17. Review status: criteria provided, single submitter. Criteria: ACMG Guidelines, 2015. Collection method: clinical testing. Allele origin: germline. Affected: yes.

OMIM
Classification: Pathogenic for CATARACT 9, NUCLEAR LAMELLAR. Last evaluated: 2013-03-01. Review status: no assertion criteria provided. Collection method: literature only. Allele origin: germline. Not counted in ClinVar's aggregate classification.

Literature cited by the submitters: PubMed 23255486 (cited by Labcorp Genetics (formerly Invitae), Labcorp and OMIM); PubMed 26867756 (cited by Labcorp Genetics (formerly Invitae), Labcorp); PubMed 22045060 (cited by Labcorp Genetics (formerly Invitae), Labcorp); PubMed 22140512 (cited by Labcorp Genetics (formerly Invitae), Labcorp); PubMed 22347476 (cited by Labcorp Genetics (formerly Invitae), Labcorp); PubMed 23441109 (cited by Labcorp Genetics (formerly Invitae), Labcorp); PubMed 29386872 (cited by Labcorp Genetics (formerly Invitae), Labcorp).